The following is an entry in ClinVar:

ClinVar aggregate classification (germline): Pathogenic. Review status: criteria provided, multiple submitters, no conflicts (2 of 4 stars). 3 submissions from 3 submitters: Pathogenic (2). 1 of the submissions does not count toward it. Last evaluated 2023-07-19.

Conditions:
Fucosidosis. Also called: ALPHA-L-FUCOSIDASE DEFICIENCY. Identifiers: Orphanet 349, MedGen C0016788, MONDO:0009254, OMIM 230000.
Intellectual disability. Also called: intellectual disabilities; Intellectual developmental disorder; Intellectual functioning disability. Identifiers: MedGen C3714756, MeSH D008607, MONDO:0001071, HP:0001249.

Allele frequency attached by ClinVar (database versions not stated): gnomAD exomes below 0.00001; ExAC 0.00001.
gnomAD v4.1: 5 of 1,614,142 alleles (0.00031%); highest among the groups gnomAD compares: Non-Finnish European, 0.00034%; no homozygotes.

Submissions (3):

Labcorp Genetics (formerly Invitae), Labcorp
Classification: Pathogenic for Fucosidosis. Last evaluated: 2023-07-19. Review status: criteria provided, single submitter. Criteria: Invitae Variant Classification Sherloc (09022015). Collection method: clinical testing. Allele origin: germline.
Comment: This variant is present in population databases (rs764863416, gnomAD 0.0009%). This sequence change creates a premature translational stop signal (p.Gly406*) in the FUCA1 gene. While this is not anticipated to result in nonsense mediated decay, it is expected to disrupt the last 61 amino acid(s) of the FUCA1 protein. This premature translational stop signal has been observed in individual(s) with fucosidosis (PMID: 7581404). This variant is also known as c.1201G>T (p.Gly401*). ClinVar contains an entry for this variant (Variation ID: 975241). This variant disrupts a region of the FUCA1 protein in which other variant(s) (p.Gln427*) have been determined to be pathogenic (PMID: 8401503). This suggests that this is a clinically significant region of the protein, and that variants that disrupt it are likely to be disease-causing. For these reasons, this variant has been classified as Pathogenic.

Women's Health and Genetics/Laboratory Corporation of America, LabCorp
Classification: Pathogenic for Fucosidosis. Last evaluated: 2021-12-06. Review status: criteria provided, single submitter. Criteria: LabCorp Variant Classification Summary - May 2015. Collection method: clinical testing. Allele origin: germline.
Comment: Variant summary: FUCA1 c.1216G>T (p.Gly406X) results in a premature termination codon, predicted to cause a truncation of the encoded protein or absence of the protein due to nonsense mediated decay, which are commonly known mechanisms for disease. One truncation (p.Gln427X) downstream of this position has been classified as pathogenic by our laboratory. The variant allele was found at a frequency of 4e-06 in 251452 control chromosomes (genomAD). c.1216G>T has been reported in one literature in two homozygous individuals affected with Fucosidosis in two unrelated families (Seo_1995). Both exhibited slowly progressive neurological deterioration by the age of 3 years and Alpha-L-fucosidase activities in the patients leukocytes was negligible. These data indicate that the variant is likely to be associated with disease. To our knowledge, no experimental evidence demonstrating an impact on protein function has been reported. One ClinVar submitter (evaluation after 2014) cites the variant as likely benign. Based on the evidence outlined above, the variant was classified as pathogenic.

Centre de Biologie Pathologie Génétique, Centre Hospitalier Universitaire de Lille
Classification: Likely benign for Intellectual disability. Last evaluated: 2019-01-01. Review status: no assertion criteria provided. Collection method: clinical testing. Allele origin: inherited. Affected: yes. Not counted in ClinVar's aggregate classification.

Literature cited by the submitters: PubMed 7581404 (cited by Labcorp Genetics (formerly Invitae), Labcorp and Women's Health and Genetics/Laboratory Corporation of America, LabCorp); PubMed 8401503 (cited by Labcorp Genetics (formerly Invitae), Labcorp); PubMed 10094192 (cited by Women's Health and Genetics/Laboratory Corporation of America, LabCorp); PubMed 33266441 (cited by Women's Health and Genetics/Laboratory Corporation of America, LabCorp).

NM_000147.5(FUCA1):c.1216G>T (p.Gly406Ter)

Gene: FUCA1 (alpha-L-fucosidase 1; minus strand). Cytogenetic location: 1p36.11.
Variant type: single nucleotide variant.
Coding change: c.1216G>T on transcript NM_000147.5 (MANE Select); coding-DNA position 1216, G replaced by T.
Protein change: p.Gly406Ter; replaces glycine 406 with a stop codon.
Molecular consequence: nonsense.
Genome position (GRCh38, 1-based): chr1:23,846,118, C>A on the plus strand (G>T on the coding strand, the complement: FUCA1 is on the minus strand). VCF-style: chr1-23846118-C-A. GRCh37 (hg19) VCF-style: chr1-24172608-C-A.
Other names: short protein forms G406*.
Identifiers: ClinVar variation 975241 (VCV000975241.7), dbSNP rs764863416, ClinGen allele CA686314.